The following is an entry in ClinVar:

NM_022356.4(P3H1):c.1426G>A (p.Gly476Ser)

Gene: P3H1 (prolyl 3-hydroxylase 1; minus strand). Cytogenetic location: 1p34.2.
Variant type: single nucleotide variant.
Coding change: c.1426G>A on transcript NM_022356.4 (MANE Select); coding-DNA position 1426, G replaced by A.
Protein change: p.Gly476Ser; replaces glycine 476 with serine.
Molecular consequence: missense variant.
Genome position (GRCh38, 1-based): chr1:42,752,584, C>T on the plus strand (G>A on the coding strand, the complement: P3H1 is on the minus strand). VCF-style: chr1-42752584-C-T. GRCh37 (hg19) VCF-style: chr1-43218255-C-T.
Other names: c.1426G>A, p.Gly476Ser (NM_001146289.2, NM_001243246.2); short protein forms G476S.
Identifiers: ClinVar variation 837722 (VCV000837722.9), dbSNP rs761570342, ClinGen allele CA801850.

ClinVar aggregate classification (germline): Uncertain significance (1 of 4 stars; one submission).

Conditions:
Osteogenesis imperfecta type 8 (OI8). Identifiers: MedGen C1970458, MONDO:0012581, OMIM 610915.

Allele frequency attached by ClinVar (database versions not stated): gnomAD below 0.00001 and 0.00001; TOPMed 0.00001; ExAC 0.00006; gnomAD exomes 0.00006.

Submission:

Labcorp Genetics (formerly Invitae), Labcorp
Classification: Uncertain significance for Osteogenesis imperfecta type 8. Last evaluated: 2024-10-07. Review status: criteria provided, single submitter. Criteria: Invitae Variant Classification Sherloc (09022015). Collection method: clinical testing. Allele origin: germline.
Comment: This sequence change replaces glycine, which is neutral and non-polar, with serine, which is neutral and polar, at codon 476 of the P3H1 protein (p.Gly476Ser). This variant is present in population databases (rs761570342, gnomAD 0.04%). This variant has not been reported in the literature in individuals affected with P3H1-related conditions. ClinVar contains an entry for this variant (Variation ID: 837722). Invitae Evidence Modeling of protein sequence and biophysical properties (such as structural, functional, and spatial information, amino acid conservation, physicochemical variation, residue mobility, and thermodynamic stability) indicates that this missense variant is not expected to disrupt P3H1 protein function with a negative predictive value of 80%. In summary, the available evidence is currently insufficient to determine the role of this variant in disease. Therefore, it has been classified as a Variant of Uncertain Significance.